The following is an entry in ClinVar:

NM_001042492.3(NF1):c.3802_3803insGGCCGGGCGCGGTGGCTCACGCCTGTAATCCCAGCACTTTGGGAGGCCGAGGCGGGCGGATCACGAGGTCANNNNNNNNNNAAAAAAAAAAAAAAAAAAAAAAAGAAGTAGAATTGG (p.Leu1267_Ala1268insGlyProGlyAlaValAlaHisAlaCysAsnProSerThrLeuGlyGlyArgGlyGlyArgIleThrArgSerXaaXaaXaaXaaLysLysLysLysLysLysLysGluValGluLeu)

Gene: NF1 (neurofibromin 1; plus strand). Cytogenetic location: 17q11.2.
Variant type: Insertion.
Coding change: c.3802_3803insGGCCGGGCGCGGTGGCTCACGCCTGTAATCCCAGCACTTTGGGAGGCCGAGGCGGGCGGATCACGAGGTCANNNNNNNNNNAAAAAAAAAAAAAAAAAAAAAAAGAAGTAGAATTGG on transcript NM_001042492.3 (MANE Select); coding-DNA positions 3802 to 3803, GGCCGGGCGCGGTGGCTCACGCCTGTAATCCCAGCACTTTGGGAGGCCGAGGCGGGCGGATCACGAGGTCANNNNNNNNNNAAAAAAAAAAAAAAAAAAAAAAAGAAGTAGAATTGG inserted.
Protein change: p.Leu1267_Ala1268insGlyProGlyAlaValAlaHisAlaCysAsnProSerThrLeuGlyGlyArgGlyGlyArgIleThrArgSerXaaXaaXaaXaaLysLysLysLysLysLysLysGluValGluLeu.
Molecular consequence: inframe insertion. On other transcripts: inframe indel (1).
Genome position: GRCh38: chr17:31,235,704-31,235,705. GRCh37 (hg19): chr17:29,562,722-29,562,723.
Other names: c.3802_3803insGGCCGGGCGCGGTGGCTCACGCCTGTAATCCCAGCACTTTGGGAGGCCGAGGCGGGCGGATCACGAGGTCANNNNNNNNNNAAAAAAAAAAAAAAAAAAAAAAAGAAGTAGAATTGG, p.Leu1267_Ala1268insGlyProGlyAlaValAlaHisAlaCysAsnProSerThrLeuGlyGlyArgGlyGlyArgIleThrArgSerXaaXaaXaaXaaLysLysLysLysLysLysLysGluValGluLeu (NM_000267.4).
Identifiers: ClinVar variation 1453614 (VCV001453614.6), dbSNP rs2151437897.

ClinVar aggregate classification (germline): Pathogenic (1 of 4 stars; one submission).

Conditions:
Neurofibromatosis, type 1 (NF1). Also called: Neurofibromatosis, type I; VON RECKLINGHAUSEN DISEASE; NEUROFIBROMATOSIS, TYPE I, SOMATIC; Peripheral type neurofibromatosis. Identifiers: Orphanet 636, MedGen C0027831, MONDO:0018975, OMIM 162200. Disease mechanism: loss of function.

Submission:

Labcorp Genetics (formerly Invitae), Labcorp
Classification: Pathogenic for Neurofibromatosis, type 1. Last evaluated: 2021-05-26. Review status: criteria provided, single submitter. Criteria: Invitae Variant Classification Sherloc (09022015). Collection method: clinical testing. Allele origin: germline.
Comment: Retrotransposon insertions including LINE1 (L1), Alu, and SVA (SINE-VNTR-Alu) have been reported to be disease-causing through disruption of either a coding region or splice site (PMID: 19763152, 20307669, 22406018) and loss-of-function variants in NF1 are known to be pathogenic (PMID: 10712197, 23913538). For these reasons, this variant has been classified as Pathogenic. Algorithms developed to predict the effect of sequence changes on RNA splicing suggest that this variant may create or strengthen a splice site, but this prediction has not been confirmed by published transcriptional studies. This variant has not been reported in the literature in individuals with NF1-related conditions. This variant is not present in population databases (ExAC no frequency). This sequence change inserts a large fragment of DNA, likely a transposable element, in exon 28 of the NF1 gene (c.3802_3803ins?), causing a frameshift at codon 1268 (p.Ala1268fs). The exact size and sequence of the insertion cannot be determined by the current assay. However, the insertion is expected to result in an absent or disrupted protein product.

Literature cited by the submitters: PubMed 19763152; PubMed 20307669; PubMed 22406018; PubMed 10712197; PubMed 23913538.